The following is an entry in ClinVar:

ClinVar aggregate classification (germline): Uncertain significance. Review status: criteria provided, multiple submitters, no conflicts (2 of 4 stars). 3 submissions from 3 submitters: Uncertain significance (3). Last evaluated 2026-01-14.

Conditions:
Nephronophthisis 16 (NPHP16). Identifiers: Orphanet 655, MedGen C3809320, MONDO:0014158, OMIM 615382.
Inborn genetic diseases. Identifiers: MedGen C0950123, MeSH D030342.

Allele frequency attached by ClinVar (database versions not stated): ExAC 0.00001; gnomAD 0.00001; gnomAD exomes 0.00001; TOPMed 0.00002.

Submissions (3):

Labcorp Genetics (formerly Invitae), Labcorp
Classification: Uncertain significance for Nephronophthisis 16. Last evaluated: 2026-01-14. Review status: criteria provided, single submitter. Criteria: Invitae Variant Classification Sherloc (09022015). Collection method: clinical testing. Allele origin: germline.
Comment: This sequence change replaces alanine, which is neutral and non-polar, with threonine, which is neutral and polar, at codon 261 of the ANKS6 protein (p.Ala261Thr). This variant is present in population databases (rs781295888, gnomAD 0.003%). This variant has not been reported in the literature in individuals affected with ANKS6-related conditions. ClinVar contains an entry for this variant (Variation ID: 3127033). An algorithm developed to predict the effect of missense changes on protein structure and function (PolyPhen-2) suggests that this variant is likely to be tolerated. In summary, the available evidence is currently insufficient to determine the role of this variant in disease. Therefore, it has been classified as a Variant of Uncertain Significance.

Fulgent Genetics
Classification: Uncertain significance for Nephronophthisis 16. Last evaluated: 2024-05-14. Review status: criteria provided, single submitter. Criteria: ACMG Guidelines, 2015. Collection method: clinical testing. Allele origin: germline.

Ambry Genetics
Classification: Uncertain significance for Inborn genetic diseases. Last evaluated: 2023-12-18. Review status: criteria provided, single submitter. Criteria: Ambry Variant Classification Scheme 2023. Collection method: clinical testing. Allele origin: germline.

NM_173551.5(ANKS6):c.781G>A (p.Ala261Thr)

Gene: ANKS6 (ankyrin repeat and sterile alpha motif domain containing 6; minus strand). Cytogenetic location: 9q22.33.
Variant type: single nucleotide variant.
Coding change: c.781G>A on transcript NM_173551.5 (MANE Select); coding-DNA position 781, G replaced by A.
Protein change: p.Ala261Thr; replaces alanine 261 with threonine.
Molecular consequence: missense variant.
Genome position (GRCh38, 1-based): chr9:98,790,185, C>T on the plus strand (G>A on the coding strand, the complement: ANKS6 is on the minus strand). VCF-style: chr9-98790185-C-T. GRCh37 (hg19) VCF-style: chr9-101552467-C-T.
Other names: short protein forms A261T.
Identifiers: ClinVar variation 3127033 (VCV003127033.3), dbSNP rs781295888, ClinGen allele CA5153752.
Genomic context (GRCh38, chr9:98,790,185, plus strand): 5'-TCAGCGGGTCCAGGTAGTCTACAAGGTCCCTGTGCTTGCAGTCCAGTGCAACCTCGAAGG[C>T]GGTCTTCTCCAGCACGCTGAGGTGGTCAGGGTTGGCGCCCTTCTCCACCAGCTGCTGGGC-3'
Protein context (NP_775822.3, residues 251-271): PDHLSVLEKT[Ala261Thr]FEVALDCKHR